The following is an entry in ClinVar:

ClinVar aggregate classification (germline): Pathogenic. Review status: reviewed by expert panel (3 of 4 stars). 17 submissions from 15 submitters: Pathogenic (1). 16 of the submissions do not count toward it. Last evaluated 2017-12-08.

Conditions:
CFTR-related disorder (CFTR-RD). Also called: CFTR-related condition; CFTR-related disorders. Identifiers: MedGen C5924204, MONDO:7770004.
Cystic fibrosis (CF). Also called: MUCOVISCIDOSIS. Identifiers: Orphanet 586, MedGen C0010674, MONDO:0009061, OMIM 219700. Disease mechanism: loss of function.
Congenital bilateral aplasia of vas deferens from CFTR mutation (CBAVD). Identifiers: Orphanet 48, MedGen C0403814, MONDO:0010178, OMIM 277180. Disease mechanism: loss of function.
Bronchiectasis with or without elevated sweat chloride 1 (BESC1). Also called: Cystic Fibrosis-Like Syndrome. Identifiers: Orphanet 60033, MedGen C2749757, MONDO:0008887, OMIM 211400.
Hereditary pancreatitis (PCTT). Also called: Hereditary chronic pancreatitis; PRSS1-Related Hereditary Pancreatitis. Identifiers: Orphanet 676, MedGen C0238339, MONDO:0008185, OMIM 167800.

Allele frequency attached by ClinVar (database versions not stated): gnomAD exomes 0.00001 and below 0.00001; TOPMed 0.00001; ExAC 0.00002; gnomAD 0.00001.
gnomAD v4.1: 6 of 1,612,730 alleles (0.00037%); highest among the groups gnomAD compares: Admixed American, 0.0083%; no homozygotes.

Submissions 1 to 9 of 17:

CFTR2
Classification: Pathogenic for Cystic fibrosis. Last evaluated: 2017-12-08. Review status: reviewed by expert panel. Criteria: Sosnay PR et al. (Nat Genet 2013). Collection method: research. Allele origin: germline. Affected: yes.

Natera, Inc.
Classification: Pathogenic for CFTR-related disorders. Last evaluated: 2025-09-26. Review status: criteria provided, single submitter. Criteria: Natera Variant Classification Schema (03/2026). Collection method: clinical testing. Allele origin: germline. Not counted in ClinVar's aggregate classification.
Comment: The c.293A>G variant in CFTR is a missense variant predicted to cause substitution of glutamine to arginine at amino acid 98. This variant is rare in the general population with a frequency below the threshold expected for the associated phenotype(s). This variant has been observed in one or more individuals affected with the associated recessive disease, as either homozygous or compound heterozygous with a second variant (PMID: 25580864, 32539862). Computational prediction algorithms indicate this variant is likely to affect gene or protein function. Given the available evidence, this variant is classified as Pathogenic.

Labcorp Genetics (formerly Invitae), Labcorp
Classification: Pathogenic for Cystic fibrosis. Last evaluated: 2025-09-13. Review status: criteria provided, single submitter. Criteria: Invitae Variant Classification Sherloc (09022015). Collection method: clinical testing. Allele origin: germline. Not counted in ClinVar's aggregate classification.
Comment: This sequence change replaces glutamine, which is neutral and polar, with arginine, which is basic and polar, at codon 98 of the CFTR protein (p.Gln98Arg). This variant is present in population databases (rs397508464, gnomAD 0.006%). This missense change has been observed in individual(s) with cystic fibrosis (PMID: 7581407, 16778407, 19652440). In at least one individual the data is consistent with being in trans (on the opposite chromosome) from a pathogenic variant. ClinVar contains an entry for this variant (Variation ID: 53606). Invitae Evidence Modeling of protein sequence and biophysical properties (such as structural, functional, and spatial information, amino acid conservation, physicochemical variation, residue mobility, and thermodynamic stability) indicates that this missense variant is expected to disrupt CFTR protein function with a positive predictive value of 80%. Experimental studies have shown that this missense change affects CFTR function (PMID: 29805046). For these reasons, this variant has been classified as Pathogenic.

PreventionGenetics, part of Exact Sciences
Classification: Pathogenic for CFTR-related condition. Last evaluated: 2024-11-15. Review status: criteria provided, single submitter. Criteria: ACMG Guidelines, 2015. Collection method: clinical testing. Allele origin: germline. Not counted in ClinVar's aggregate classification.
Comment: The CFTR c.293A>G variant is predicted to result in the amino acid substitution p.Gln98Arg. This variant was reported in the homozygous state and compound heterozygous state in patients with Cystic fibrosis (Romey et al. 1995. PubMed ID: 7581407; Koh et al. 2006. PubMed ID: 16778407; Trujillano et al. 2013. PubMed ID: 23687349; Liu et al. 2015. PubMed ID: 25580864; Raraigh et al. 2018. PubMed ID: 29805046; Liu et al. 2020. PubMed ID: 32539862; Shen et al. 2022. PubMed ID: 35858753). Functional study showed that channels expressing G98R only generated a chloride channel current of 5.4 ± 0.7% relative to wild type (Raraigh et al. 2018. PubMed ID: 29805046). Of note, another missense variant affecting the same amino acid (p.Gln98Pro) has been reported to be pathogenic for Cystic fibrosis (HGMD database, Schrijver et al. 2005. PubMed ID: 16049310 ). This variant is reported in 0.0058% of alleles in individuals of Latino descent in gnomAD. This variant is interpreted as pathogenic in ClinVar. This variant is interpreted as pathogenic.

Baylor Genetics
Classification: Pathogenic for Bronchiectasis with or without elevated sweat chloride 1. Last evaluated: 2024-03-22. Review status: criteria provided, single submitter. Criteria: ACMG Guidelines, 2015. Collection method: clinical testing. Allele origin: unknown. Not counted in ClinVar's aggregate classification.

Johns Hopkins Genomics, Johns Hopkins University
Classification: Pathogenic for Cystic fibrosis. Last evaluated: 2023-04-14. Review status: criteria provided, single submitter. Criteria: ACMG Guidelines, 2015. Collection method: clinical testing. Allele origin: germline. Not counted in ClinVar's aggregate classification.
Comment: Disease-causing CFTR variant. See CFTR2 for phenotype information.

Ambry Genetics
Classification: Pathogenic for Cystic fibrosis. Last evaluated: 2022-10-21. Review status: criteria provided, single submitter. Criteria: Ambry Variant Classification Scheme 2023. Collection method: clinical testing. Allele origin: germline. Not counted in ClinVar's aggregate classification.
Comment: The p.Q98R pathogenic mutation (also known as c.293A>G), located in coding exon 4 of the CFTR gene, results from an A to G substitution at nucleotide position 293. The glutamine at codon 98 is replaced by arginine, an amino acid with highly similar properties. This mutation has been seen in individuals with elevated sweat chloride levels and pulmonary manifestations (Jung H et al. Korean J Lab Med, 2011 Jul;31:219-24). One study reported a homozygous individual with elevated sweat chloride levels and severe lung disease with allergic bronchopulmonary aspergillosis, but no gastrointestinal symptoms (Liu Y et al. Respirology, 2015 Feb;20:312-8). A functional study to assess the importance of the glutamine in this position suggests it may be involved in controlling the rate of chloride ion permeation through the pore (Ge N et al. J. Biol. Chem., 2004 Dec;279:55283-9). In addition, this mutation has been shown to decrease chloride channel activity compared to wild-type CFTR (Raraigh KS et al. Am. J. Hum. Genet., 2018 06;102:1062-1077). Based on the supporting evidence, this alteration is interpreted as a disease-causing mutation.

Quest Diagnostics Nichols Institute San Juan Capistrano
Classification: Pathogenic. Last evaluated: 2022-06-25. Review status: criteria provided, single submitter. Criteria: Quest Diagnostics criteria. Collection method: clinical testing. Allele origin: unknown. Not counted in ClinVar's aggregate classification.
Comment: The frequency of this variant in the general population, 0.000008 (2/251054 chromosomes), is consistent with pathogenicity. In the published literature, the variant has been reported in several compound heterozygotes affected with cystic fibrosis (UMD, PMIDs: 25580864 (2015), 23687349 (2013)). Additionally, functional studies showed reduced chloride channel activity indicating that this variant impacts protein function (PMID: 29805046 (2018)). Based on the available information, this variant is classified as pathogenic.

Mayo Clinic Laboratories, Mayo Clinic
Classification: Pathogenic. Last evaluated: 2022-04-20. Review status: criteria provided, single submitter. Criteria: ACMG Guidelines, 2015. Collection method: clinical testing. Allele origin: germline. Observed: 1 variant allele. Not counted in ClinVar's aggregate classification.
Comment: PP3, PM2, PM3_very_strong, PS3

NM_000492.4(CFTR):c.293A>G (p.Gln98Arg)

Gene: CFTR (CF transmembrane conductance regulator; plus strand). Cytogenetic location: 7q31.2.
Variant type: single nucleotide variant.
Coding change: c.293A>G on transcript NM_000492.4 (MANE Select); coding-DNA position 293, A replaced by G.
Protein change: p.Gln98Arg; replaces glutamine 98 with arginine.
Molecular consequence: missense variant.
Genome position (GRCh38, 1-based): chr7:117,530,918, A>G. VCF-style: chr7-117530918-A-G. GRCh37 (hg19) VCF-style: chr7-117170972-A-G.
Other names: short protein forms Q98R.
Identifiers: ClinVar variation 53606 (VCV000053606.31), dbSNP rs397508464, ClinGen allele CA326985.